The following is an entry in ClinVar:

ClinVar aggregate classification (germline): Uncertain significance (1 of 4 stars; one submission).

Conditions:
Congenital myasthenic syndrome 12 (CMS12). Also called: Myasthenia, congenital, 12, with tubular aggregates; MYASTHENIC SYNDROME, CONGENITAL, WITH TUBULAR AGGREGATES 1. Identifiers: Orphanet 353327, Orphanet 590, MedGen C3552335, MONDO:0012518, OMIM 610542.

Allele frequency attached by ClinVar (database versions not stated): gnomAD exomes below 0.00001.
gnomAD v4.1: 1 of 1,614,146 alleles (0.000062%); highest among the groups gnomAD compares: Admixed American, 0.0017%; no homozygotes.

Submission:

Labcorp Genetics (formerly Invitae), Labcorp
Classification: Uncertain significance for Congenital myasthenic syndrome 12. Last evaluated: 2022-07-09. Review status: criteria provided, single submitter. Criteria: Invitae Variant Classification Sherloc (09022015). Collection method: clinical testing. Allele origin: germline.
Comment: This sequence change replaces isoleucine, which is neutral and non-polar, with valine, which is neutral and non-polar, at codon 646 of the GFPT1 protein (p.Ile646Val). This variant is not present in population databases (gnomAD no frequency). This missense change has been observed in individual(s) with congenital myasthenic syndrome (PMID: 28712002). This variant is also known as p.Ile628Val. ClinVar contains an entry for this variant (Variation ID: 1023199). Algorithms developed to predict the effect of missense changes on protein structure and function (SIFT, PolyPhen-2, Align-GVGD) all suggest that this variant is likely to be tolerated. In summary, the available evidence is currently insufficient to determine the role of this variant in disease. Therefore, it has been classified as a Variant of Uncertain Significance.

Literature cited by the submitters: PubMed 28712002.

NM_001244710.2(GFPT1):c.1936A>G (p.Ile646Val)

Gene: GFPT1 (glutamine--fructose-6-phosphate transaminase 1; minus strand). Cytogenetic location: 2p13.3.
Variant type: single nucleotide variant.
Coding change: c.1936A>G on transcript NM_001244710.2 (MANE Select); coding-DNA position 1936, A replaced by G.
Protein change: p.Ile646Val; replaces isoleucine 646 with valine.
Molecular consequence: missense variant.
Genome position (GRCh38, 1-based): chr2:69,327,033, T>C on the plus strand (A>G on the coding strand, the complement: GFPT1 is on the minus strand). VCF-style: chr2-69327033-T-C. GRCh37 (hg19) VCF-style: chr2-69554165-T-C.
Other names: c.1882A>G, p.Ile628Val (NM_002056.4); short protein forms I628V, I646V.
Identifiers: ClinVar variation 1023199 (VCV001023199.6), dbSNP rs1574039131, ClinGen allele CA347421627.
Genomic context (GRCh38, chr2:69,327,033, plus strand): 5'-GAATGCCCTGCAAGCAGTCCACTGAGTGGGGCACCTTGATCGTTCTTTTTGTGTTCTTAA[T>C]GGTCTCAGTATCCTCCTTATCACAAATTACCACAGGCCGCCCCTAGGAAAGAAAATCACA-3'
Protein context (NP_001231639.1, residues 636-656): VICDKEDTET[Ile646Val]KNTKRTIKVP